The following is an entry in ClinVar:

ClinVar aggregate classification (germline): Uncertain significance (1 of 4 stars; one submission).

Conditions:
COG6-congenital disorder of glycosylation. Also called: CONGENITAL DISORDER OF GLYCOSYLATION, TYPE IIl; CDG IIl; COG6-CGD; COG6-ongenital disorder of glycosylation. Identifiers: Orphanet 464443, MedGen C3553230, MONDO:0013810, OMIM 614576.

Allele frequency attached by ClinVar (database versions not stated): gnomAD 0.00001; ExAC 0.00002; gnomAD exomes 0.00002; TOPMed 0.00003; 1000 Genomes Project 30x 0.00016; 1000 Genomes Project 0.00020.
gnomAD v4.1: 13 of 1,602,430 alleles (0.00081%); highest among the groups gnomAD compares: Admixed American, 0.014%; no homozygotes.

Submission:

Baylor Genetics
Classification: Uncertain significance for COG6-congenital disorder of glycosylation. Last evaluated: 2019-09-13. Review status: criteria provided, single submitter. Criteria: ACMG Guidelines, 2015. Collection method: clinical testing. Allele origin: unknown. Affected: yes.
Comment: This variant was determined to be of uncertain significance according to ACMG Guidelines, 2015 [PMID:25741868].

NM_020751.3(COG6):c.95G>T (p.Cys32Phe)

Gene: COG6 (component of oligomeric golgi complex 6; plus strand). Cytogenetic location: 13q14.11.
Variant type: single nucleotide variant.
Coding change: c.95G>T on transcript NM_020751.3 (MANE Select); coding-DNA position 95, G replaced by T.
Protein change: p.Cys32Phe; replaces cysteine 32 with phenylalanine.
Molecular consequence: missense variant. On other transcripts: non-coding transcript variant (1).
Genome position (GRCh38, 1-based): chr13:39,655,821, G>T. VCF-style: chr13-39655821-G-T. GRCh37 (hg19) VCF-style: chr13-40229958-G-T.
Other names: c.95G>T, p.Cys32Phe (NM_001145079.2); short protein forms C32F.
Identifiers: ClinVar variation 1028179 (VCV001028179.1), dbSNP rs576575818, ClinGen allele CA6958162.
Genomic context (GRCh38, chr13:39,655,821, plus strand): 5'-CTGCGACCGGGGCTGCCAACGGCCTCAACAATGGGGCAGGCGGGACCTCGGCGACGACCT[G>T]CAACCCGCTGTCGCGCAAGCTGCATAAGATCCTGGAGACGCGGCTGGACAACGACAAGGT-3'
Protein context (NP_065802.1, residues 22-42): NGAGGTSATT[Cys32Phe]NPLSRKLHKI